The following is an entry in ClinVar:

NM_001042492.3(NF1):c.1719del (p.Ser574fs)

Gene: NF1 (neurofibromin 1; plus strand). Cytogenetic location: 17q11.2.
Variant type: Deletion.
Coding change: c.1719del on transcript NM_001042492.3 (MANE Select); coding-DNA position 1719, one base deleted (T; older notation c.1719delT).
Protein change: p.Ser574fs; shifts the reading frame from serine 574.
Molecular consequence: frameshift variant.
Genome position (GRCh38, 1-based): chr17:31,221,927, T deleted; the last of 2 consecutive T bases (chr17:31,221,926-31,221,927); deleting either gives the same sequence. VCF-style (leftmost placement, unchanged base first): chr17-31221925-AT-A. GRCh37 (hg19) VCF-style: chr17-29548943-AT-A.
Other names: c.1719delT, p.Ser574Alafs (NM_000267.4); c.1719del, p.Arg574fs (NM_001128147.3); short protein forms S574fs, R574fs.
Identifiers: ClinVar variation 2736515 (VCV002736515.3), dbSNP rs2508109484, ClinGen allele CA2576222960.

ClinVar aggregate classification (germline): Pathogenic (1 of 4 stars; one submission).

Conditions:
Neurofibromatosis, type 1 (NF1). Also called: Neurofibromatosis, type I; Peripheral type neurofibromatosis; VON RECKLINGHAUSEN DISEASE; NEUROFIBROMATOSIS, TYPE I, SOMATIC. Identifiers: Orphanet 636, MedGen C0027831, MONDO:0018975, OMIM 162200. Disease mechanism: loss of function.

Submission:

Labcorp Genetics (formerly Invitae), Labcorp
Classification: Pathogenic for Neurofibromatosis, type 1. Last evaluated: 2024-04-03. Review status: criteria provided, single submitter. Criteria: Invitae Variant Classification Sherloc (09022015). Collection method: clinical testing. Allele origin: germline.
Comment: This sequence change creates a premature translational stop signal (p.Ser574Alafs*12) in the NF1 gene. It is expected to result in an absent or disrupted protein product. Loss-of-function variants in NF1 are known to be pathogenic (PMID: 10712197, 23913538). This variant is not present in population databases (gnomAD no frequency). This variant has not been reported in the literature in individuals affected with NF1-related conditions. For these reasons, this variant has been classified as Pathogenic.

Literature cited by the submitters: PubMed 10712197; PubMed 23913538.